The following is an entry in ClinVar:

ClinVar aggregate classification (germline): Pathogenic (1 of 4 stars; one submission).

Submission:

ISCA Site 6
Classification: Pathogenic. Last evaluated: 2011-08-12. Review status: criteria provided, single submitter. Criteria: Kaminsky et al. (Genet Med. 2011). Collection method: clinical testing. Allele origin: unknown. Affected: yes. Observed: 1 variant allele.
Comment: Copy number variation identified through the course of routine clinical cytogenomic testing in postnatal populations. Clinical assertions have been curated as described in Kaminsky et al. 2011.

GRCh38/hg38 9p24.3-22.3(chr9:111216-14650762)x1

Genes: LURAP1L (leucine rich adaptor protein 1 like; plus strand), LURAP1L-AS1 (LURAP1L antisense RNA 1; minus strand), MAHAC (maintenance of histone H4K5 acetylation associated lncRNA; plus strand), MIR101-2 (microRNA 101-2; plus strand), MIR4665 (microRNA 4665; plus strand) and 270 more. Cytogenetic location: 9p24.3-22.3.
Variant type: copy number loss.
Change: copy number 1 (one copy instead of two) of chr9:111,216-14,650,762 (14.54 Mb, GRCh38 coordinates, 1-based), cytogenetic band 9p24.3-22.3.
Identifiers: ClinVar variation 60415 (VCV000060415.2).